The following is an entry in ClinVar:

ClinVar aggregate classification (germline): Conflicting classifications of pathogenicity. Review status: criteria provided, conflicting classifications (1 of 4 stars). 5 submissions from 5 submitters: Uncertain significance (2); Likely benign (2). 1 of the submissions does not count toward it. Last evaluated 2026-01-11.

Conditions:
ACOX1-related disorder. Also called: ACOX1-related disorders; ACOX1-related condition.
Inborn genetic diseases. Identifiers: MedGen C0950123, MeSH D030342.
Acyl-CoA oxidase deficiency. Also called: STRAIGHT-CHAIN ACYL-CoA OXIDASE DEFICIENCY; Pseudoneonatal adrenoleukodystrophy; Peroxisomal acyl-CoA oxidase deficiency. Identifiers: Orphanet 2971, MedGen C1849678, MONDO:0009919, OMIM 264470. Disease mechanism: loss of function.

Allele frequency attached by ClinVar (database versions not stated): gnomAD 0.00007; gnomAD exomes 0.00009 and 0.00015; TOPMed 0.00011; ExAC 0.00012; ESP Exome Variant Server 0.00023.
gnomAD v4.1: 148 of 1,613,746 alleles (0.0092%); highest among the groups gnomAD compares: Middle Eastern, 0.016%; no homozygotes.

Submissions (5):

Labcorp Genetics (formerly Invitae), Labcorp
Classification: Likely benign for Acyl-CoA oxidase deficiency. Last evaluated: 2026-01-11. Review status: criteria provided, single submitter. Criteria: Invitae Variant Classification Sherloc (09022015). Collection method: clinical testing. Allele origin: germline.

PreventionGenetics, part of Exact Sciences
Classification: Likely benign for ACOX1-related condition. Last evaluated: 2025-06-23. Review status: criteria provided, single submitter. Criteria: ACMG Guidelines, 2015. Collection method: clinical testing. Allele origin: germline.
Comment: This variant is classified as likely benign based on ACMG/AMP sequence variant interpretation guidelines (Richards et al. 2015 PMID: 25741868, with internal and published modifications).

Ambry Genetics
Classification: Uncertain significance for Inborn genetic diseases. Last evaluated: 2021-09-17. Review status: criteria provided, single submitter. Criteria: Ambry Variant Classification Scheme 2023. Collection method: clinical testing. Allele origin: germline.

Illumina Laboratory Services, Illumina
Classification: Uncertain significance for Acyl-CoA oxidase deficiency. Last evaluated: 2018-01-13. Review status: criteria provided, single submitter. Criteria: ICSL Variant Classification Criteria 13 December 2019. Collection method: clinical testing. Allele origin: germline.

Natera, Inc.
Classification: Likely benign for Peroxisomal acyl-CoA oxidase deficiency. Last evaluated: 2019-10-28. Review status: no assertion criteria provided. Collection method: clinical testing. Allele origin: germline. Not counted in ClinVar's aggregate classification.

NM_004035.7(ACOX1):c.667G>A (p.Val223Ile)

Gene: ACOX1 (acyl-CoA oxidase 1; minus strand). Cytogenetic location: 17q25.1.
Variant type: single nucleotide variant.
Coding change: c.667G>A on transcript NM_004035.7 (MANE Select); coding-DNA position 667, G replaced by A.
Protein change: p.Val223Ile; replaces valine 223 with isoleucine.
Molecular consequence: missense variant.
Genome position (GRCh38, 1-based): chr17:75,955,673, C>T on the plus strand (G>A on the coding strand, the complement: ACOX1 is on the minus strand). VCF-style: chr17-75955673-C-T. GRCh37 (hg19) VCF-style: chr17-73951754-C-T.
Other names: c.553G>A, p.Val185Ile (NM_001185039.2); c.667G>A, p.Val223Ile (NM_007292.6); short protein forms V223I, V185I.
Identifiers: ClinVar variation 325386 (VCV000325386.19), dbSNP rs143260706, ClinGen allele CA8776946.